The following is an entry in ClinVar:

ClinVar aggregate classification (germline): Likely benign (1 of 4 stars; one submission).

Allele frequency attached by ClinVar (database versions not stated): gnomAD exomes below 0.00001.
gnomAD v4.1: 2 of 1,613,922 alleles (0.00012%); highest among the groups gnomAD compares: Non-Finnish European, 0.00017%; no homozygotes.

Submission:

CeGaT Center for Human Genetics Tuebingen
Classification: Likely benign. Last evaluated: 2024-05-01. Review status: criteria provided, single submitter. Criteria: CeGaT Center For Human Genetics Tuebingen Variant Classification Criteria Version 2. Collection method: clinical testing. Allele origin: germline. Affected: yes. Observed: 1 variant allele.
Comment: ABCA4: PM2:Supporting, BP4, BP7

NM_000350.3(ABCA4):c.2604A>G (p.Pro868=)

Gene: ABCA4 (ATP binding cassette subfamily A member 4; minus strand). Cytogenetic location: 1p22.1.
Variant type: single nucleotide variant.
Coding change: c.2604A>G on transcript NM_000350.3 (MANE Select); coding-DNA position 2604, A replaced by G.
Protein change: p.Pro868=; no amino-acid change (proline 868 retained).
Molecular consequence: synonymous variant.
Genome position (GRCh38, 1-based): chr1:94,051,682, T>C on the plus strand (A>G on the coding strand, the complement: ABCA4 is on the minus strand). VCF-style: chr1-94051682-T-C. GRCh37 (hg19) VCF-style: chr1-94517238-T-C.
Other names: c.2382A>G, p.Pro794= (NM_001425324.1).
Identifiers: ClinVar variation 3239436 (VCV003239436.19), dbSNP rs1660844781.